The following is an entry in ClinVar:

NM_005908.4(MANBA):c.1470del (p.Glu491fs)

Gene: MANBA (mannosidase beta; minus strand). Cytogenetic location: 4q24.
Variant type: Deletion.
Coding change: c.1470del on transcript NM_005908.4 (MANE Select); coding-DNA position 1470, one base deleted (A; older notation c.1470delA).
Protein change: p.Glu491fs; shifts the reading frame from glutamic acid 491.
Molecular consequence: frameshift variant.
Genome position (GRCh38, 1-based): chr4:102,664,700, T deleted on the plus strand (A on the coding strand, the reverse complement: MANBA is on the minus strand). VCF-style (leftmost placement, unchanged base first): chr4-102664699-CT-C. GRCh37 (hg19) VCF-style: chr4-103585856-CT-C.
Other names: short protein forms E491fs.
Identifiers: ClinVar variation 2854119 (VCV002854119.3), dbSNP rs2476774466, ClinGen allele CA2739270202.

ClinVar aggregate classification (germline): Pathogenic (1 of 4 stars; one submission).

Conditions:
Beta-D-mannosidosis (MANSB). Also called: MANNOSIDOSIS, BETA A, LYSOSOMAL; BETA-MANNOSIDASE DEFICIENCY; LYSOSOMAL BETA-MANNOSIDASE DEFICIENCY; Beta-Mannosidosis. Identifiers: Orphanet 118, MedGen C4048196, MONDO:0009562, OMIM 248510.

Submission:

Labcorp Genetics (formerly Invitae), Labcorp
Classification: Pathogenic for Beta-D-mannosidosis. Last evaluated: 2023-04-09. Review status: criteria provided, single submitter. Criteria: Invitae Variant Classification Sherloc (09022015). Collection method: clinical testing. Allele origin: germline.
Comment: This sequence change creates a premature translational stop signal (p.Glu491Serfs*76) in the MANBA gene. It is expected to result in an absent or disrupted protein product. Loss-of-function variants in MANBA are known to be pathogenic (PMID: 9384606, 12468273). This variant is not present in population databases (gnomAD no frequency). This variant has not been reported in the literature in individuals affected with MANBA-related conditions. For these reasons, this variant has been classified as Pathogenic.

Literature cited by the submitters: PubMed 9384606; PubMed 12468273.